The following is an entry in ClinVar:

NM_001082486.2(ACD):c.1247A>G (p.Tyr416Cys)

Gene: ACD (ACD shelterin complex subunit and telomerase recruitment factor; minus strand). Cytogenetic location: 16q22.1.
Variant type: single nucleotide variant.
Coding change: c.1247A>G on transcript NM_001082486.2 (MANE Select); coding-DNA position 1247, A replaced by G.
Protein change: p.Tyr416Cys; replaces tyrosine 416 with cysteine.
Molecular consequence: missense variant.
Genome position (GRCh38, 1-based): chr16:67,657,813, T>C on the plus strand (A>G on the coding strand, the complement: ACD is on the minus strand). VCF-style: chr16-67657813-T-C. GRCh37 (hg19) VCF-style: chr16-67691716-T-C.
Other names: c.1238A>G, p.Tyr413Cys (NM_022914.3); short protein forms Y416C, Y413C.
Identifiers: ClinVar variation 1404840 (VCV001404840.10), dbSNP rs1476903915, ClinGen allele CA396349939.

ClinVar aggregate classification (germline): Uncertain significance. Review status: criteria provided, multiple submitters, no conflicts (2 of 4 stars). 2 submissions from 2 submitters: Uncertain significance (2). Last evaluated 2025-08-26.

Conditions:
Inborn genetic diseases. Identifiers: MedGen C0950123, MeSH D030342.
Dyskeratosis congenita, autosomal dominant 6 (DKCA6). Identifiers: Orphanet 3322, MedGen C4225284, MONDO:0014690, OMIM 616553.

Allele frequency attached by ClinVar (database versions not stated): gnomAD exomes 0.00001; TOPMed 0.00002.

Submissions (2):

Labcorp Genetics (formerly Invitae), Labcorp
Classification: Uncertain significance for Dyskeratosis congenita, autosomal dominant 6. Last evaluated: 2025-08-26. Review status: criteria provided, single submitter. Criteria: Invitae Variant Classification Sherloc (09022015). Collection method: clinical testing. Allele origin: germline.
Comment: This sequence change replaces tyrosine, which is neutral and polar, with cysteine, which is neutral and slightly polar, at codon 502 of the ACD protein (p.Tyr502Cys). This variant is not present in population databases (gnomAD no frequency). This variant has not been reported in the literature in individuals affected with ACD-related conditions. ClinVar contains an entry for this variant (Variation ID: 1404840). Invitae Evidence Modeling of protein sequence and biophysical properties (such as structural, functional, and spatial information, amino acid conservation, physicochemical variation, residue mobility, and thermodynamic stability) indicates that this missense variant is expected to disrupt ACD protein function with a positive predictive value of 80%. Algorithms developed to predict the effect of sequence changes on RNA splicing suggest that this variant may disrupt the consensus splice site. In summary, the available evidence is currently insufficient to determine the role of this variant in disease. Therefore, it has been classified as a Variant of Uncertain Significance.

Ambry Genetics
Classification: Uncertain significance for Inborn genetic diseases. Last evaluated: 2024-03-14. Review status: criteria provided, single submitter. Criteria: Ambry Variant Classification Scheme 2023. Collection method: clinical testing. Allele origin: germline.
Comment: The p.Y502C variant (also known as c.1505A>G), located in coding exon 11 of the ACD gene, results from an A to G substitution at nucleotide position 1505. The tyrosine at codon 502 is replaced by cysteine, an amino acid with highly dissimilar properties. This amino acid position is conserved. In addition, the in silico prediction for this alteration is inconclusive. Since supporting evidence is limited at this time, the clinical significance of this alteration remains unclear.